The following is an entry in ClinVar:

NM_000368.5(TSC1):c.173T>C (p.Leu58Ser)

Gene: TSC1 (TSC complex subunit 1; minus strand). Cytogenetic location: 9q34.13.
Variant type: single nucleotide variant.
Coding change: c.173T>C on transcript NM_000368.5 (MANE Select); coding-DNA position 173, T replaced by C.
Protein change: p.Leu58Ser; replaces leucine 58 with serine.
Molecular consequence: missense variant. On other transcripts: 5 prime UTR variant (9), non-coding transcript variant (4), intron variant (9).
Genome position (GRCh38, 1-based): chr9:132,927,238, A>G on the plus strand (T>C on the coding strand, the complement: TSC1 is on the minus strand). VCF-style: chr9-132927238-A-G. GRCh37 (hg19) VCF-style: chr9-135802625-A-G.
Other names: c.173T>C, p.Leu58Ser (NM_001406595.1, NM_001406596.1, NM_001406597.1 and 21 more transcripts); c.-316T>C (NM_001406615.1, NM_001406623.1); c.-283T>C (NM_001406616.1, NM_001406624.1); c.-705T>C (NM_001406626.1, NM_001406627.1, NM_001406628.1); c.-847T>C (NM_001406629.1); c.-921T>C (NM_001406630.1); c.-153-1499T>C (NM_001406620.1, NM_001406618.1, NM_001406625.1 and 5 more transcripts); c.-245-1499T>C (NM_001406614.1); short protein forms L58S.
Identifiers: ClinVar variation 2679303 (VCV002679303.2), dbSNP rs1846919963, ClinGen allele CA375375100.

ClinVar aggregate classification (germline): Uncertain significance. Review status: criteria provided, multiple submitters, no conflicts (2 of 4 stars). 2 submissions from 2 submitters: Uncertain significance (2). Last evaluated 2026-02-19.

Conditions:
Isolated focal cortical dysplasia type II (FCORD2). Also called: Focal cortical dysplasia type II; CORTICAL DYSPLASIA OF TAYLOR. Identifiers: Orphanet 268994, MedGen C1846385, MONDO:0011818, OMIM 607341, HP:0032051.
Hereditary cancer-predisposing syndrome. Also called: Tumor predisposition; Hereditary Cancer Syndrome; Hereditary neoplastic syndrome; Neoplastic Syndromes, Hereditary. Identifiers: Orphanet 140162, MedGen C0027672, MeSH D009386, MONDO:0015356.

Allele frequency attached by ClinVar (database versions not stated): TOPMed below 0.00001.

Submissions (2):

Ambry Genetics
Classification: Uncertain significance for Hereditary cancer-predisposing syndrome. Last evaluated: 2026-02-19. Review status: criteria provided, single submitter. Criteria: Ambry Variant Classification Scheme 2023. Collection method: clinical testing. Allele origin: germline.
Comment: The p.L58S variant (also known as c.173T>C), located in coding exon 2 of the TSC1 gene, results from a T to C substitution at nucleotide position 173. The leucine at codon 58 is replaced by serine, an amino acid with dissimilar properties. This amino acid position is conserved. In addition, the in silico prediction for this alteration is inconclusive. Based on the available evidence, the clinical significance of this variant remains unclear.

Baylor Genetics
Classification: Uncertain significance for Isolated focal cortical dysplasia type II. Last evaluated: 2023-10-03. Review status: criteria provided, single submitter. Criteria: ACMG Guidelines, 2015. Collection method: clinical testing. Allele origin: unknown.